The following is an entry in ClinVar:

ClinVar aggregate classification (germline): Uncertain significance (1 of 4 stars; one submission).

Conditions:
Perlman syndrome (PRLMNS). Identifiers: Orphanet 2849, MedGen C0796113, MONDO:0009965, OMIM 267000.

Allele frequency attached by ClinVar (database versions not stated): gnomAD exomes below 0.00001; ExAC 0.00001; TOPMed 0.00001.
gnomAD v4.1: 2 of 1,613,738 alleles (0.00012%); highest among the groups gnomAD compares: Non-Finnish European, 0.000085%; no homozygotes.

Submission:

Labcorp Genetics (formerly Invitae), Labcorp
Classification: Uncertain significance for Perlman syndrome. Last evaluated: 2023-04-12. Review status: criteria provided, single submitter. Criteria: Invitae Variant Classification Sherloc (09022015). Collection method: clinical testing. Allele origin: germline.
Comment: In summary, the available evidence is currently insufficient to determine the role of this variant in disease. Therefore, it has been classified as a Variant of Uncertain Significance. Advanced modeling of protein sequence and biophysical properties (such as structural, functional, and spatial information, amino acid conservation, physicochemical variation, residue mobility, and thermodynamic stability) performed at Invitae indicates that this missense variant is not expected to disrupt DIS3L2 protein function. ClinVar contains an entry for this variant (Variation ID: 410751). This variant has not been reported in the literature in individuals affected with DIS3L2-related conditions. This variant is present in population databases (rs746574719, gnomAD 0.0009%). This sequence change replaces glutamine, which is neutral and polar, with arginine, which is basic and polar, at codon 735 of the DIS3L2 protein (p.Gln735Arg).

NM_152383.5(DIS3L2):c.2204A>G (p.Gln735Arg)

Gene: DIS3L2 (DIS3 like 3'-5' exoribonuclease 2; plus strand). Cytogenetic location: 2q37.1.
Variant type: single nucleotide variant.
Coding change: c.2204A>G on transcript NM_152383.5 (MANE Select); coding-DNA position 2204, A replaced by G.
Protein change: p.Gln735Arg; replaces glutamine 735 with arginine.
Molecular consequence: missense variant. On other transcripts: non-coding transcript variant (2), intron variant (1).
Genome position (GRCh38, 1-based): chr2:232,334,414, A>G. VCF-style: chr2-232334414-A-G. GRCh37 (hg19) VCF-style: chr2-233199124-A-G.
Other names: c.1582-8931A>G (NM_001257281.2); short protein forms Q735R.
Identifiers: ClinVar variation 410751 (VCV000410751.10), dbSNP rs746574719, ClinGen allele CA2164445.
Genomic context (GRCh38, chr2:232,334,414, plus strand): 5'-ACCCCCTCTTCCCAGGCTATAGGGAGCGACTAGACATGGCGCCCGATACCCTGCAGAAAC[A>G]GGCGGACCACTGTAACGACCGCCGCATGGCGTCCAAGCGCGTGCAGGAGCTCAGTACCAG-3'
Protein context (NP_689596.4, residues 725-745): LDMAPDTLQK[Gln735Arg]ADHCNDRRMA